The following is an entry in ClinVar:

ClinVar aggregate classification (germline): Likely benign (1 of 4 stars; one submission).

Allele frequency attached by ClinVar (database versions not stated): 1000 Genomes Project 30x 0.00078; 1000 Genomes Project 0.00100; TOPMed 0.00180; gnomAD 0.00191; ESP Exome Variant Server 0.00239; ExAC 0.00321.
gnomAD v4.1: 4,297 of 1,587,752 alleles (0.27%); highest among the groups gnomAD compares: South Asian, 0.38%; 11 homozygotes.

Submission:

CeGaT Center for Human Genetics Tuebingen
Classification: Likely benign. Last evaluated: 2022-12-01. Review status: criteria provided, single submitter. Criteria: CeGaT Center For Human Genetics Tuebingen Variant Classification Criteria Version 2. Collection method: clinical testing. Allele origin: germline. Affected: yes. Observed: 1 variant allele.
Comment: BCO2: BP4, BP7

NM_031938.7(BCO2):c.732A>C (p.Pro244=)

Gene: BCO2 (beta-carotene oxygenase 2; plus strand). Cytogenetic location: 11q23.1.
Variant type: single nucleotide variant.
Coding change: c.732A>C on transcript NM_031938.7 (MANE Select); coding-DNA position 732, A replaced by C.
Protein change: p.Pro244=; no amino-acid change (proline 244 retained).
Molecular consequence: synonymous variant. On other transcripts: intron variant (1).
Genome position (GRCh38, 1-based): chr11:112,194,751, A>C. VCF-style: chr11-112194751-A-C. GRCh37 (hg19) VCF-style: chr11-112065474-A-C.
Other names: c.630A>C, p.Pro210= (NM_001037290.4, NM_001256397.3); c.417A>C, p.Pro139= (NM_001256400.3); c.517+1054A>C (NM_001256398.3).
Identifiers: ClinVar variation 2642372 (VCV002642372.24), dbSNP rs149790013, ClinGen allele CA6278033.
Genomic context (GRCh38, chr11:112,194,751, plus strand): 5'-TGCACATCCTCATTATGACCTGGATGGAACAGCATACAATATGGGGAACTCCTTTGGGCC[A>C]TATGGTAAAGTTGCAATAAAGGTCTTTTTAGAAATAATTGAGACCAGGCACGGTGTGTAT-3'
Protein context (NP_114144.5, residues 234-254): TAYNMGNSFG[Pro244=]YGFSYKVIRV